The following is an entry in ClinVar:

NM_014319.5(LEMD3):c.1823T>C (p.Val608Ala)

Gene: LEMD3 (LEM domain containing 3; plus strand). Cytogenetic location: 12q14.3.
Variant type: single nucleotide variant.
Coding change: c.1823T>C on transcript NM_014319.5 (MANE Select); coding-DNA position 1823, T replaced by C.
Protein change: p.Val608Ala; replaces valine 608 with alanine.
Molecular consequence: missense variant.
Genome position (GRCh38, 1-based): chr12:65,238,716, T>C. VCF-style: chr12-65238716-T-C. GRCh37 (hg19) VCF-style: chr12-65632496-T-C.
Other names: c.1820T>C, p.Val607Ala (NM_001167614.2); short protein forms V607A, V608A.
Identifiers: ClinVar variation 3651833 (VCV003651833.2).

ClinVar aggregate classification (germline): Uncertain significance (1 of 4 stars; one submission).

Submission:

Labcorp Genetics (formerly Invitae), Labcorp
Classification: Uncertain significance. Last evaluated: 2024-05-01. Review status: criteria provided, single submitter. Criteria: Invitae Variant Classification Sherloc (09022015). Collection method: clinical testing. Allele origin: germline.
Comment: This sequence change replaces valine, which is neutral and non-polar, with alanine, which is neutral and non-polar, at codon 608 of the LEMD3 protein (p.Val608Ala). This variant is not present in population databases (gnomAD no frequency). This variant has not been reported in the literature in individuals affected with LEMD3-related conditions. Advanced modeling of protein sequence and biophysical properties (such as structural, functional, and spatial information, amino acid conservation, physicochemical variation, residue mobility, and thermodynamic stability) performed at Invitae indicates that this missense variant is not expected to disrupt LEMD3 protein function with a negative predictive value of 80%. In summary, the available evidence is currently insufficient to determine the role of this variant in disease. Therefore, it has been classified as a Variant of Uncertain Significance.